The following is an entry in ClinVar:

NM_014208.3(DSPP):c.761A>T (p.Asp254Val)

Genes: DMP1-AS1 (DMP1 and DSPP antisense RNA 1; minus strand), DSPP (dentin sialophosphoprotein; plus strand). Cytogenetic location: 4q22.1.
Variant type: single nucleotide variant.
Coding change: c.761A>T on transcript NM_014208.3 (MANE Select); coding-DNA position 761, A replaced by T.
Protein change: p.Asp254Val; replaces aspartic acid 254 with valine.
Molecular consequence: missense variant.
Genome position (GRCh38, 1-based): chr4:87,612,947, A>T. VCF-style: chr4-87612947-A-T. GRCh37 (hg19) VCF-style: chr4-88534099-A-T.
Other names: short protein forms D254V.
Identifiers: ClinVar variation 1314216 (VCV001314216.2), dbSNP rs1393234582, ClinGen allele CA357604683.
Genomic context (GRCh38, chr4:87,612,947, plus strand): 5'-GAGAAGATGCTGGCCTGGATAATTCCGATGGGAGTCCTAGTGGGAATGGAGCAGATGAGG[A>T]TGAAGACGAGGGTTCTGGTGATGATGAAGATGAAGAAGCAGGGAATGGAAAAGACAGTAG-3'
Protein context (NP_055023.2, residues 244-264): GSPSGNGADE[Asp254Val]EDEGSGDDED

ClinVar aggregate classification (germline): Uncertain significance (1 of 4 stars; one submission).

Submission:

GeneDx
Classification: Uncertain significance. Last evaluated: 2021-03-31. Review status: criteria provided, single submitter. Criteria: GeneDx Variant Classification Process June 2021. Collection method: clinical testing. Allele origin: germline. Affected: yes.
Comment: Not observed in large population cohorts (Lek et al., 2016); In silico analysis supports that this missense variant has a deleterious effect on protein structure/function; Has not been previously published as pathogenic or benign to our knowledge